The following is an entry in ClinVar:

NM_000501.4(ELN):c.1973del (p.Pro658fs)

Gene: ELN (elastin; plus strand). Cytogenetic location: 7q11.23.
Variant type: Deletion.
Coding change: c.1973del on transcript NM_000501.4 (MANE Select); coding-DNA position 1973, one base deleted (C; older notation c.1973delC).
Protein change: p.Pro658fs; shifts the reading frame from proline 658.
Molecular consequence: frameshift variant.
Genome position (GRCh38, 1-based): chr7:74,063,675, C deleted; the last of 2 consecutive C bases (chr7:74,063,674-74,063,675); deleting either gives the same sequence. VCF-style (leftmost placement, unchanged base first): chr7-74063673-TC-T. GRCh37 (hg19) VCF-style: chr7-73478003-TC-T.
Other names: c.1886del, p.Pro629fs (NM_001081752.3); c.1931del, p.Pro644fs (NM_001081753.3); c.1988del, p.Pro663fs (NM_001081754.3); c.1916del, p.Pro639fs (NM_001081755.3); c.1973del, p.Pro658fs (NM_001278912.2); c.1730del, p.Pro577fs (NM_001278913.2); c.1901del, p.Pro634fs (NM_001278914.2); c.1991del, p.Pro664fs (NM_001278915.2); and 4 more; short protein forms P720fs, P629fs, P639fs, P648fs, P610fs, P644fs, P663fs, P569fs.
Identifiers: ClinVar variation 16728 (VCV000016728.6), dbSNP rs2486562061, ClinGen allele CA2580077344.
Genomic context (GRCh38, chr7:74,063,673, plus strand): 5'-CTCCACAGGCCTAGTGGGAGCCGCTGGGCTCGGAGGACTCGGAGTCGGAGGGCTTGGAGT[TC>T]CAGGTGTTGGGGGCCTTGGAGGTGAGAGTTGTTCTGAAATCAGTGAGTGTGTGTGGTGTG-3'

ClinVar aggregate classification (germline): Pathogenic. Review status: criteria provided, single submitter (1 of 4 stars). 2 submissions from 2 submitters: Pathogenic (1). 1 of the submissions does not count toward it. Last evaluated 2022-07-30.

Conditions:
Supravalvar aortic stenosis (SVAS). Also called: Supravalvar aortic stenosis, Eisenberg type. Identifiers: Orphanet 3193, MedGen C0003499, MONDO:0008504, OMIM 185500, HP:0004381.
Cutis laxa, autosomal dominant 1 (ADCL1). Also called: ELN-Related Cutis Laxa. Identifiers: Orphanet 90348, MedGen C3276539, MONDO:0007411, OMIM 123700. Disease mechanism: Dominant Negative.

Submissions (2):

Labcorp Genetics (formerly Invitae), Labcorp
Classification: Pathogenic for Supravalvar aortic stenosis. Last evaluated: 2022-07-30. Review status: criteria provided, single submitter. Criteria: Invitae Variant Classification Sherloc (09022015). Collection method: clinical testing. Allele origin: germline.
Comment: For these reasons, this variant has been classified as Pathogenic. This variant is also known as 2039delC. This premature translational stop signal has been observed in individual(s) with autosomal dominant cutis laxa (PMID: 9873040, 16085695). This variant is not present in population databases (gnomAD no frequency). This sequence change creates a premature translational stop signal (p.Pro720Glnfs*29) in the ELN gene. It is expected to result in an absent or disrupted protein product. Loss-of-function variants in ELN are known to be pathogenic (PMID: 11175284).

OMIM
Classification: Pathogenic for CUTIS LAXA, AUTOSOMAL DOMINANT 1. Last evaluated: 1995-03-01. Review status: no assertion criteria provided. Collection method: literature only. Allele origin: germline. Not counted in ClinVar's aggregate classification.

Literature cited by the submitters: PubMed 9873040 (cited by Labcorp Genetics (formerly Invitae), Labcorp); PubMed 16085695 (cited by Labcorp Genetics (formerly Invitae), Labcorp); PubMed 11175284 (cited by Labcorp Genetics (formerly Invitae), Labcorp); PubMed 7884000 (cited by OMIM).